The following is an entry in ClinVar:

NM_033084.6(FANCD2):c.2609_2613del

Genes: FANCD2 (FA complementation group D2; plus strand), LOC107303338 (3p25 FANCD2 Alu-mediated recombination region; plus strand). Cytogenetic location: 3p25.3.
Variant type: Deletion.
Coding change: c.2609_2613del on transcript NM_033084.6; coding-DNA positions 2609 to 2613, 5 bases deleted (GGAAA; older notation c.2609_2613delGGAAA).
Molecular consequence: splice acceptor variant.
Genome position (GRCh38, 1-based): chr3:10,073,256-10,073,260, GGAAA deleted; deleting any 5 consecutive bases within chr3:10,073,252-10,073,260 gives the same sequence; the c. name uses the placement nearest the transcript's 3' end. VCF-style (leftmost placement, unchanged base first): chr3-10073251-AGAAAG-A. GRCh37 (hg19) VCF-style: chr3-10114935-AGAAAG-A.
Identifiers: ClinVar variation 2675489 (VCV002675489.4), dbSNP rs2469993551, ClinGen allele CA2664392293.

ClinVar aggregate classification (germline): Pathogenic/Likely pathogenic. Review status: criteria provided, multiple submitters, no conflicts (2 of 4 stars). 2 submissions from 2 submitters: Pathogenic (1); Likely pathogenic (1). Last evaluated 2023-11-14.

Conditions:
Fanconi anemia complementation group D2. Also called: FANCD2-Related Fanconi Anemia; FANCONI PANCYTOPENIA, TYPE 4; FANCONI ANEMIA, COMPLEMENTATION GROUP D. Identifiers: Orphanet 84, MedGen C3160738, MONDO:0009214, OMIM 227646.
Fanconi anemia (FA). Also called: Fanconi's anemia. Identifiers: Orphanet 84, MedGen C0015625, MeSH D005199, MONDO:0019391.

Submissions (2):

Labcorp Genetics (formerly Invitae), Labcorp
Classification: Pathogenic for Fanconi anemia. Last evaluated: 2023-11-14. Review status: criteria provided, single submitter. Criteria: Invitae Variant Classification Sherloc (09022015). Collection method: clinical testing. Allele origin: germline.
Comment: This sequence change creates a premature translational stop signal (p.Arg870Thrfs*12) in the FANCD2 gene. It is expected to result in an absent or disrupted protein product. Loss-of-function variants in FANCD2 are known to be pathogenic (PMID: 17436244). This variant is not present in population databases (gnomAD no frequency). This variant has not been reported in the literature in individuals affected with FANCD2-related conditions. Algorithms developed to predict the effect of sequence changes on RNA splicing suggest that this variant may disrupt the consensus splice site. For these reasons, this variant has been classified as Pathogenic.

Baylor Genetics
Classification: Likely pathogenic for Fanconi anemia complementation group D2. Last evaluated: 2023-09-27. Review status: criteria provided, single submitter. Criteria: ACMG Guidelines, 2015. Collection method: clinical testing. Allele origin: unknown.

Literature cited by the submitters: PubMed 17436244 (cited by Labcorp Genetics (formerly Invitae), Labcorp).